The following is an entry in ClinVar:

ClinVar aggregate classification (germline): Conflicting classifications of pathogenicity. Review status: criteria provided, conflicting classifications (1 of 4 stars). 3 submissions from 3 submitters: Uncertain significance (1); Likely benign (1). 1 of the submissions does not count toward it. Last evaluated 2025-12-03.

Conditions:
Cardiovascular phenotype. Identifiers: MedGen CN230736.
Duchenne muscular dystrophy (DMD). Also called: MUSCULAR DYSTROPHY, PSEUDOHYPERTROPHIC PROGRESSIVE, DUCHENNE TYPE; Duchenne Muscular Dystrophy (DMD). Identifiers: Orphanet 98896, MedGen C0013264, MONDO:0010679, OMIM 310200.
Dystrophin deficiency.
Becker muscular dystrophy (BMD). Also called: MUSCULAR DYSTROPHY, PSEUDOHYPERTROPHIC PROGRESSIVE, BECKER TYPE; Becker Muscular Dystrophy (BMD). Identifiers: Orphanet 98895, MedGen C0917713, MONDO:0010311, OMIM 300376.
Cardiomyopathy (CMYO). Also called: Cardiomyopathies. Identifiers: Orphanet 167848, MedGen C0878544, MONDO:0004994, HP:0001638. Inheritance: Various modes of inheritance.

Allele frequency attached by ClinVar (database versions not stated): gnomAD 0.00001 and 0.00002; gnomAD exomes 0.00001; TOPMed 0.00002; ExAC 0.00005.
gnomAD v4.1: 10 of 1,209,235 alleles (0.00083%); highest among the groups gnomAD compares: Non-Finnish European, 0.001%; no homozygotes.

Submissions (3):

Labcorp Genetics (formerly Invitae), Labcorp
Classification: Likely benign for Duchenne muscular dystrophy. Last evaluated: 2025-12-03. Review status: criteria provided, single submitter. Criteria: Invitae Variant Classification Sherloc (09022015). Collection method: clinical testing. Allele origin: germline.

Ambry Genetics
Classification: Uncertain significance for Cardiovascular phenotype. Last evaluated: 2025-05-27. Review status: criteria provided, single submitter. Criteria: Ambry Variant Classification Scheme 2023. Collection method: clinical testing. Allele origin: germline.
Comment: The p.A3132D variant (also known as c.9395C>A), located in coding exon 65 of the DMD gene, results from a C to A substitution at nucleotide position 9395. The alanine at codon 3132 is replaced by aspartic acid, an amino acid with dissimilar properties. Based on data from gnomAD, the A allele has an overall frequency of 0.0011% (2/183595) total alleles studied, with 2 hemizygote(s) observed. The highest observed frequency was 0.0025% (2/81307) of European (non-Finnish) alleles. This amino acid position is well conserved in available vertebrate species. In addition, the in silico prediction for this alteration is inconclusive. Based on the available evidence, the clinical significance of this variant remains unclear.

Natera, Inc.
Classification: Uncertain significance for Becker muscular dystrophy; Cardiomyopathy; Duchenne muscular dystrophy; Dystrophin deficiency. Last evaluated: 2018-10-12. Review status: no assertion criteria provided. Collection method: clinical testing. Allele origin: germline. Not counted in ClinVar's aggregate classification.

NM_004006.3(DMD):c.9395C>A (p.Ala3132Asp)

Gene: DMD (dystrophin; minus strand). Cytogenetic location: Xp21.2.
Variant type: single nucleotide variant.
Coding change: c.9395C>A on transcript NM_004006.3 (MANE Select); coding-DNA position 9395, C replaced by A.
Protein change: p.Ala3132Asp; replaces alanine 3132 with aspartic acid.
Molecular consequence: missense variant.
Genome position (GRCh38, 1-based): chrX:31,209,666, G>T on the plus strand (C>A on the coding strand, the complement: DMD is on the minus strand). VCF-style: chrX-31209666-G-T. GRCh37 (hg19) VCF-style: chrX-31227783-G-T.
Other names: c.9371C>A, p.Ala3124Asp (NM_000109.4); c.9383C>A, p.Ala3128Asp (NM_004009.3); c.9026C>A, p.Ala3009Asp (NM_004010.3); c.5372C>A, p.Ala1791Asp (NM_004011.4); c.5363C>A, p.Ala1788Asp (NM_004012.4); c.2015C>A, p.Ala672Asp (NM_004013.3, NM_004020.4, NM_004021.3 and 2 more transcripts); c.1208C>A, p.Ala403Asp (NM_004014.3); c.191C>A, p.Ala64Asp (NM_004015.3, NM_004016.3, NM_004017.3 and 2 more transcripts); short protein forms A3128D, A3132D, A64D, A672D, A1788D, A1791D, A3009D, A3124D.
Identifiers: ClinVar variation 968617 (VCV000968617.12), dbSNP rs200592992, ClinGen allele CA10377812.